The following is an entry in ClinVar:

NM_177438.3(DICER1):c.5427G>T (p.Gly1809=)

Gene: DICER1 (dicer 1, ribonuclease III; minus strand). Cytogenetic location: 14q32.13.
Variant type: single nucleotide variant.
Coding change: c.5427G>T on transcript NM_177438.3 (MANE Select); coding-DNA position 5427, G replaced by T.
Protein change: p.Gly1809=; no amino-acid change (glycine 1809 retained).
Molecular consequence: synonymous variant. On other transcripts: intron variant (1).
Genome position (GRCh38, 1-based): chr14:95,091,303, C>A on the plus strand (G>T on the coding strand, the complement: DICER1 is on the minus strand). VCF-style: chr14-95091303-C-A. GRCh37 (hg19) VCF-style: chr14-95557640-C-A.
Other names: c.5427G>T, p.Gly1809= (NM_001271282.3, NM_001291628.2, NM_030621.4); c.5365-194G>T (NM_001195573.1).
Identifiers: ClinVar variation 417105 (VCV000417105.14), dbSNP rs1060504981, ClinGen allele CA16614271.

ClinVar aggregate classification (germline): Benign/Likely benign. Review status: criteria provided, multiple submitters, no conflicts (2 of 4 stars). 3 submissions from 3 submitters: Benign (1); Likely benign (2). Last evaluated 2026-04-21.

Conditions:
Hereditary cancer-predisposing syndrome. Also called: Hereditary Cancer Syndrome; Neoplastic Syndromes, Hereditary; Hereditary neoplastic syndrome; Tumor predisposition. Identifiers: Orphanet 140162, MedGen C0027672, MeSH D009386, MONDO:0015356.
DICER1-related tumor predisposition. Also called: DICER1-related pleuropulmonary blastoma cancer predisposition syndrome; DICER1 syndrome. Identifiers: Orphanet 284343, MedGen C3839822, MONDO:0100216.

Allele frequency attached by ClinVar (database versions not stated): gnomAD 0.00001; TOPMed 0.00001.
gnomAD v4.1: 2 of 1,613,934 alleles (0.00012%); highest among the groups gnomAD compares: African/African-American, 0.0027%; no homozygotes.

Submissions (3):

Myriad Genetics, Inc.
Classification: Benign for DICER1-related tumor predisposition. Last evaluated: 2026-04-21. Review status: criteria provided, single submitter. Criteria: Myriad Autosomal Dominant, Autosomal Recessive and X-Linked Classification Criteria (2023). Collection method: clinical testing. Allele origin: unknown.
Comment: This variant is considered benign. This variant is a silent/synonymous amino acid change and it is not expected to impact splicing.

Labcorp Genetics (formerly Invitae), Labcorp
Classification: Likely benign for DICER1-related tumor predisposition. Last evaluated: 2026-01-21. Review status: criteria provided, single submitter. Criteria: Invitae Variant Classification Sherloc (09022015). Collection method: clinical testing. Allele origin: germline.

Ambry Genetics
Classification: Likely benign for Hereditary cancer-predisposing syndrome. Last evaluated: 2020-08-12. Review status: criteria provided, single submitter. Criteria: Ambry Variant Classification Scheme 2023. Collection method: clinical testing. Allele origin: germline.